The following is an entry in ClinVar:

NM_022089.4(ATP13A2):c.2236G>A (p.Ala746Thr)

Gene: ATP13A2 (ATPase cation transporting 13A2; minus strand). Cytogenetic location: 1p36.13.
Variant type: single nucleotide variant.
Coding change: c.2236G>A on transcript NM_022089.4 (MANE Select); coding-DNA position 2236, G replaced by A.
Protein change: p.Ala746Thr; replaces alanine 746 with threonine.
Molecular consequence: missense variant.
Genome position (GRCh38, 1-based): chr1:16,991,749, C>T on the plus strand (G>A on the coding strand, the complement: ATP13A2 is on the minus strand). VCF-style: chr1-16991749-C-T. GRCh37 (hg19) VCF-style: chr1-17318244-C-T.
Other names: p.Ala746Thr; c.2221G>A, p.Ala741Thr (NM_001141973.3, NM_001141974.3); c.2236G>A (NM_022089.2); short protein forms A746T, A741T.
Identifiers: ClinVar variation 465257 (VCV000465257.8), dbSNP rs147277743, ClinGen allele CA636930.

ClinVar aggregate classification (germline): Conflicting classifications of pathogenicity. Review status: criteria provided, conflicting classifications (1 of 4 stars). 6 submissions from 6 submitters: Uncertain significance (4); Likely benign (2). Last evaluated 2026-06-12.

Conditions:
Inborn genetic diseases. Identifiers: MedGen C0950123, MeSH D030342.
Kufor-Rakeb syndrome (KRS). Also called: PARKINSON DISEASE 9, AUTOSOMAL RECESSIVE, JUVENILE-ONSET. Identifiers: Orphanet 306674, Orphanet 314632, MedGen C1847640, MONDO:0011706, OMIM 606693.
Autosomal recessive spastic paraplegia type 78. Identifiers: Orphanet 513436, MedGen C5567893, MONDO:0014975, OMIM 617225.

Allele frequency attached by ClinVar (database versions not stated): ESP Exome Variant Server 0.00008; gnomAD 0.00008 and 0.00009; TOPMed 0.00010; gnomAD exomes 0.00012 and 0.00018; ExAC 0.00018.
gnomAD v4.1: 195 of 1,614,152 alleles (0.012%); highest among the groups gnomAD compares: East Asian, 0.12%; no homozygotes.

Submissions (6):

Ambry Genetics
Classification: Likely benign for Inborn genetic diseases. Last evaluated: 2026-06-12. Review status: criteria provided, single submitter. Criteria: Ambry Variant Classification Scheme 2023. Collection method: clinical testing. Allele origin: germline.

Mayo Clinic Laboratories, Mayo Clinic
Classification: Uncertain significance. Last evaluated: 2024-07-25. Review status: criteria provided, single submitter. Criteria: ACMG Guidelines, 2015. Collection method: clinical testing. Allele origin: germline. Observed: 1 variant allele.
Comment: BP4_moderate

Labcorp Genetics (formerly Invitae), Labcorp
Classification: Uncertain significance for Kufor-Rakeb syndrome; Autosomal recessive spastic paraplegia type 78. Last evaluated: 2024-05-31. Review status: criteria provided, single submitter. Criteria: Invitae Variant Classification Sherloc (09022015). Collection method: clinical testing. Allele origin: germline.
Comment: This sequence change replaces alanine, which is neutral and non-polar, with threonine, which is neutral and polar, at codon 746 of the ATP13A2 protein (p.Ala746Thr). This variant is present in population databases (rs147277743, gnomAD 0.1%). This missense change has been observed in individual(s) with early-onset and late-onset Parkinson disease, as well as unaffected controls (PMID: 19015489, 20227461, 20976737, 21714071, 23522931). This variant is also known as A741T. ClinVar contains an entry for this variant (Variation ID: 465257). Advanced modeling of protein sequence and biophysical properties (such as structural, functional, and spatial information, amino acid conservation, physicochemical variation, residue mobility, and thermodynamic stability) performed at Invitae indicates that this missense variant is not expected to disrupt ATP13A2 protein function with a negative predictive value of 80%. Experimental studies have shown that this missense change affects ATP13A2 function (PMID: 21714071, 22768177, 31996848). In summary, the available evidence is currently insufficient to determine the role of this variant in disease. Therefore, it has been classified as a Variant of Uncertain Significance.

Women's Health and Genetics/Laboratory Corporation of America, LabCorp
Classification: Likely benign. Last evaluated: 2023-02-15. Review status: criteria provided, single submitter. Criteria: LabCorp Variant Classification Summary - May 2015. Collection method: clinical testing. Allele origin: germline.
Comment: Variant summary: ATP13A2 c.2236G>A (p.Ala746Thr) results in a non-conservative amino acid change located in the P-type ATPase, haloacid dehalogenase domain (IPR044492) of the encoded protein sequence. Four of five in-silico tools predict a benign effect of the variant on protein function. The variant allele was found at a frequency of 0.00018 in 251344 control chromosomes, predominantly at a frequency of 0.0016 within the East Asian subpopulation in the gnomAD database. The observed variant frequency within East Asian control individuals in the gnomAD database is approximately 8-fold of the estimated maximal expected allele frequency for a pathogenic variant in ATP13A2 causing Neurodegeneration With Brain Iron Accumulation phenotype (0.00019), strongly suggesting that the variant is a benign polymorphism found primarily in populations of East Asian origin. c.2236G>A has been reported in the literature in the heterozygous state in individuals affected with early onset or familial Parkinson's disease, however it has also been reported in healthy ethnicity-matched control individuals (e.g. Lin_2008, Funayama_2010, Chen_2011). These reports do not provide unequivocal conclusions about association of the variant with disease. Functional experiments have shown that the variant has little to no effect on protein expression and cellular localization, but may mildly increase caspase 3 activity, whereas it was shown to reduce ATPase activity by approximately 40% compared to WT (Chen_2011, Podhajska_2012). Two clinical diagnostic laboratories have submitted clinical-significance assessments for this variant to ClinVar after 2014 and both classified the variant as uncertain significance. Based on the evidence outlined above, the variant was classified as likely benign.

Fulgent Genetics
Classification: Uncertain significance for Kufor-Rakeb syndrome; Autosomal recessive spastic paraplegia type 78. Last evaluated: 2021-09-01. Review status: criteria provided, single submitter. Criteria: ACMG Guidelines, 2015. Collection method: clinical testing. Allele origin: unknown.

Department of Pathology and Laboratory Medicine, Sinai Health System
Classification: Uncertain significance for Kufor-Rakeb syndrome. Last evaluated: 2021-08-10. Review status: criteria provided, single submitter. Criteria: ACMG Guidelines, 2015. Collection method: research. Allele origin: germline.

Literature cited by the submitters: PubMed 19015489 (cited by 3 submitters); PubMed 20227461 (cited by Mayo Clinic Laboratories, Mayo Clinic and Labcorp Genetics (formerly Invitae), Labcorp); PubMed 20976737 (cited by 3 submitters); PubMed 21714071 (cited by 3 submitters); PubMed 22768177 (cited by 3 submitters); PubMed 23522931 (cited by Mayo Clinic Laboratories, Mayo Clinic and Labcorp Genetics (formerly Invitae), Labcorp); PubMed 31996848 (cited by Mayo Clinic Laboratories, Mayo Clinic and Labcorp Genetics (formerly Invitae), Labcorp); PubMed 33335927 (cited by Mayo Clinic Laboratories, Mayo Clinic); PubMed 35695987 (cited by Mayo Clinic Laboratories, Mayo Clinic); PubMed 36499080 (cited by Mayo Clinic Laboratories, Mayo Clinic); PubMed 37080960 (cited by Mayo Clinic Laboratories, Mayo Clinic); PubMed 37139776 (cited by Mayo Clinic Laboratories, Mayo Clinic); PubMed 38249738 (cited by Mayo Clinic Laboratories, Mayo Clinic).